The following is an entry in ClinVar:

ClinVar aggregate classification (germline): Uncertain significance (1 of 4 stars; one submission).

Conditions:
Stormorken syndrome (STRMK). Also called: THROMBOCYTOPATHY, ASPLENIA, AND MIOSIS. Identifiers: Orphanet 3204, MedGen C1861451, MONDO:0008497, OMIM 185070.
Combined immunodeficiency due to STIM1 deficiency. Also called: IMMUNODEFICIENCY 10; STIM1 DEFICIENCY. Identifiers: Orphanet 169090, Orphanet 317430, MedGen C2748557, MONDO:0013008, OMIM 612783.
Myopathy with tubular aggregates (TAM). Also called: Tubular Aggregate Myopathy. Identifiers: Orphanet 2593, MedGen C0410207, MONDO:0008051.

Allele frequency attached by ClinVar (database versions not stated): gnomAD exomes below 0.00001; gnomAD 0.00001; TOPMed 0.00001.
gnomAD v4.1: 2 of 1,613,946 alleles (0.00012%); highest among the groups gnomAD compares: African/African-American, 0.0027%; no homozygotes.

Submission:

Labcorp Genetics (formerly Invitae), Labcorp
Classification: Uncertain significance for Myopathy with tubular aggregates; Combined immunodeficiency due to STIM1 deficiency; Stormorken syndrome. Last evaluated: 2023-07-27. Review status: criteria provided, single submitter. Criteria: Invitae Variant Classification Sherloc (09022015). Collection method: clinical testing. Allele origin: germline.
Comment: This sequence change replaces alanine, which is neutral and non-polar, with threonine, which is neutral and polar, at codon 346 of the STIM1 protein (p.Ala346Thr). This variant is not present in population databases (gnomAD no frequency). In summary, the available evidence is currently insufficient to determine the role of this variant in disease. Therefore, it has been classified as a Variant of Uncertain Significance. Advanced modeling of protein sequence and biophysical properties (such as structural, functional, and spatial information, amino acid conservation, physicochemical variation, residue mobility, and thermodynamic stability) has been performed at Invitae for this missense variant, however the output from this modeling did not meet the statistical confidence thresholds required to predict the impact of this variant on STIM1 protein function. ClinVar contains an entry for this variant (Variation ID: 2066531). This variant has not been reported in the literature in individuals affected with STIM1-related conditions.

NM_001382567.1(STIM1):c.1036G>A (p.Ala346Thr)

Gene: STIM1 (stromal interaction molecule 1; plus strand). Cytogenetic location: 11p15.4.
Variant type: single nucleotide variant.
Coding change: c.1036G>A on transcript NM_001382567.1 (MANE Select); coding-DNA position 1036, G replaced by A.
Protein change: p.Ala346Thr; replaces alanine 346 with threonine.
Molecular consequence: missense variant. On other transcripts: non-coding transcript variant (2).
Genome position (GRCh38, 1-based): chr11:4,082,250, G>A. VCF-style: chr11-4082250-G-A. GRCh37 (hg19) VCF-style: chr11-4103480-G-A.
Other names: c.1036G>A, p.Ala346Thr (NM_001277961.3, NM_001277962.2, NM_001382568.1 and 1 more transcripts); c.814G>A, p.Ala272Thr (NM_001382566.1, NM_001382573.1, NM_001382575.1 and 4 more transcripts); c.901G>A, p.Ala301Thr (NM_001382569.1); c.808G>A, p.Ala270Thr (NM_001382570.1); c.556G>A, p.Ala186Thr (NM_001382571.1); c.547G>A, p.Ala183Thr (NM_001382580.1, NM_001382581.1); short protein forms A272T, A270T, A301T, A346T, A183T, A186T.
Identifiers: ClinVar variation 2066531 (VCV002066531.4), dbSNP rs1565170455, ClinGen allele CA379192435.